The following is an entry in ClinVar:

NM_004656.4(BAP1):c.1363T>G (p.Ser455Ala)

Gene: BAP1 (BRCA1 associated deubiquitinase 1; minus strand). Cytogenetic location: 3p21.1.
Variant type: single nucleotide variant.
Coding change: c.1363T>G on transcript NM_004656.4 (MANE Select); coding-DNA position 1363, T replaced by G.
Protein change: p.Ser455Ala; replaces serine 455 with alanine.
Molecular consequence: missense variant.
Genome position (GRCh38, 1-based): chr3:52,403,782, A>C on the plus strand (T>G on the coding strand, the complement: BAP1 is on the minus strand). VCF-style: chr3-52403782-A-C. GRCh37 (hg19) VCF-style: chr3-52437798-A-C.
Other names: c.1309T>G, p.Ser437Ala (NM_001410772.1); short protein forms S437A, S455A.
Identifiers: ClinVar variation 3476988 (VCV003476988.1).

ClinVar aggregate classification (germline): Uncertain significance (1 of 4 stars; one submission).

Conditions:
Hereditary cancer-predisposing syndrome. Also called: Tumor predisposition; Neoplastic Syndromes, Hereditary; Hereditary neoplastic syndrome; Hereditary Cancer Syndrome. Identifiers: Orphanet 140162, MedGen C0027672, MeSH D009386, MONDO:0015356.

gnomAD v4.1: 1 of 1,613,548 alleles (0.000062%); highest among the groups gnomAD compares: Non-Finnish European, 0.000085%; no homozygotes.

Submission:

Ambry Genetics
Classification: Uncertain significance for Hereditary cancer-predisposing syndrome. Last evaluated: 2024-07-25. Review status: criteria provided, single submitter. Criteria: Ambry Variant Classification Scheme 2023. Collection method: clinical testing. Allele origin: germline.
Comment: The p.S455A variant (also known as c.1363T>G), located in coding exon 13 of the BAP1 gene, results from a T to G substitution at nucleotide position 1363. The serine at codon 455 is replaced by alanine, an amino acid with similar properties. This amino acid position is conserved. In addition, this alteration is predicted to be tolerated by in silico analysis. Based on the available evidence, the clinical significance of this variant remains unclear.